The following is an entry in ClinVar:

ClinVar aggregate classification (germline): Benign/Likely benign. Review status: criteria provided, multiple submitters, no conflicts (2 of 4 stars). 3 submissions from 3 submitters: Benign (1); Likely benign (1). 1 of the submissions does not count toward it. Last evaluated 2026-02-01.

Conditions:
MACF1-related disorder. Also called: MACF1-related condition.

Allele frequency attached by ClinVar (database versions not stated): 1000 Genomes Project 30x 0.00141; 1000 Genomes Project 0.00160; ESP Exome Variant Server 0.00161; gnomAD 0.00497; gnomAD exomes 0.00521.
gnomAD v4.1: 8,253 of 1,614,050 alleles (0.51%); highest among the groups gnomAD compares: Non-Finnish European, 0.49%; 61 homozygotes.

Submissions (3):

CeGaT Center for Human Genetics Tuebingen
Classification: Likely benign. Last evaluated: 2026-02-01. Review status: criteria provided, single submitter. Criteria: CeGaT Center For Human Genetics Tuebingen Variant Classification Criteria Version 2. Collection method: clinical testing. Allele origin: germline. Affected: yes. Observed: 5 variant alleles.
Comment: MACF1: BS2

Labcorp Genetics (formerly Invitae), Labcorp
Classification: Benign. Last evaluated: 2025-12-05. Review status: criteria provided, single submitter. Criteria: Invitae Variant Classification Sherloc (09022015). Collection method: clinical testing. Allele origin: germline.

PreventionGenetics, part of Exact Sciences
Classification: Benign for MACF1-related condition. Last evaluated: 2020-03-02. Review status: no assertion criteria provided. Collection method: clinical testing. Allele origin: germline. Not counted in ClinVar's aggregate classification.
Comment: This variant is classified as benign based on ACMG/AMP sequence variant interpretation guidelines (Richards et al. 2015 PMID: 25741868, with internal and published modifications).

NM_001394062.1(MACF1):c.15127G>T (p.Ala5043Ser)

Gene: MACF1 (microtubule actin crosslinking factor 1; plus strand). Cytogenetic location: 1p34.3.
Variant type: single nucleotide variant.
Coding change: c.15127G>T on transcript NM_001394062.1 (MANE Select); coding-DNA position 15127, G replaced by T.
Protein change: p.Ala5043Ser; replaces alanine 5043 with serine.
Molecular consequence: missense variant.
Genome position (GRCh38, 1-based): chr1:39,387,969, G>T. VCF-style: chr1-39387969-G-T. GRCh37 (hg19) VCF-style: chr1-39853641-G-T.
Other names: c.8941G>T, p.Ala2981Ser (NM_012090.5); short protein forms A5043S, A2981S.
Identifiers: ClinVar variation 2052270 (VCV002052270.29), dbSNP rs144760259, ClinGen allele CA782348.